The following is an entry in ClinVar:

ClinVar aggregate classification (germline): Benign/Likely benign. Review status: criteria provided, multiple submitters, no conflicts (2 of 4 stars). 8 submissions from 8 submitters: Benign (3); Likely benign (2). 3 of the submissions do not count toward it. Last evaluated 2026-01-18.

Conditions:
Dilated cardiomyopathy 1JJ (CMD1JJ). Identifiers: Orphanet 154, MedGen C3808935, MONDO:0014095, OMIM 615235.

Allele frequency attached by ClinVar (database versions not stated): TOPMed 0.00253; 1000 Genomes Project 0.00280; gnomAD 0.00214 and 0.00197; ESP Exome Variant Server 0.00261; 1000 Genomes Project 30x 0.00250.
gnomAD v4.1: 607 of 1,613,188 alleles (0.038%); highest among the groups gnomAD compares: African/African-American, 0.62%; 1 homozygote.

Submissions (8):

Labcorp Genetics (formerly Invitae), Labcorp
Classification: Benign for Dilated cardiomyopathy 1JJ. Last evaluated: 2026-01-18. Review status: criteria provided, single submitter. Criteria: Invitae Variant Classification Sherloc (09022015). Collection method: clinical testing. Allele origin: germline.

Women's Health and Genetics/Laboratory Corporation of America, LabCorp
Classification: Benign. Last evaluated: 2025-02-10. Review status: criteria provided, single submitter. Criteria: LabCorp Variant Classification Summary - May 2015. Collection method: clinical testing. Allele origin: germline.

Blueprint Genetics
Classification: Likely benign. Last evaluated: 2024-11-11. Review status: criteria provided, single submitter. Criteria: ACMG Guidelines, 2015. Collection method: clinical testing. Allele origin: germline.

Laboratory for Molecular Medicine, Mass General Brigham Personalized Medicine
Classification: Likely benign. Last evaluated: 2015-05-06. Review status: criteria provided, single submitter. Criteria: LMM Criteria. Collection method: clinical testing. Allele origin: germline. Observed: 2 variant alleles.
Comment: c.5186-14G>C in intron 37 of LAMA4: This variant is not expected to have clinica l significance because it has been identified in 0.7% (70/10368) of African chro mosomes by the Exome Aggregation Consortium (ExAC, g; dbSNP rs112265545).

GeneDx
Classification: Benign. Last evaluated: 2015-03-16. Review status: criteria provided, single submitter. Criteria: GeneDx Variant Classification (06012015). Collection method: clinical testing. Allele origin: germline. Affected: yes.
Comment: This variant is considered likely benign or benign based on one or more of the following criteria: it is a conservative change, it occurs at a poorly conserved position in the protein, it is predicted to be benign by multiple in silico algorithms, and/or has population frequency not consistent with disease.

Clinical Genetics, Academic Medical Center
Classification: Benign. Review status: no assertion criteria provided. Collection method: clinical testing. Allele origin: germline. Affected: yes. Study: VKGL Data-share Consensus. Not counted in ClinVar's aggregate classification.

Diagnostic Laboratory, Department of Genetics, University Medical Center Groningen
Classification: Benign for Dilated cardiomyopathy 1JJ. Review status: no assertion criteria provided. Collection method: clinical testing. Allele origin: germline. Affected: yes. Study: VKGL Data-share Consensus. Not counted in ClinVar's aggregate classification.

Genome Diagnostics Laboratory, University Medical Center Utrecht
Classification: Benign. Review status: no assertion criteria provided. Collection method: clinical testing. Allele origin: germline. Affected: yes. Study: VKGL Data-share Consensus. Not counted in ClinVar's aggregate classification.

NM_001105206.3(LAMA4):c.5207-14G>C

Gene: LAMA4 (laminin subunit alpha 4; minus strand). Cytogenetic location: 6q21.
Variant type: single nucleotide variant.
Coding change: c.5207-14G>C on transcript NM_001105206.3 (MANE Select); 14 bases into the intron before coding-DNA position 5207, G replaced by C.
Molecular consequence: intron variant.
Genome position (GRCh38, 1-based): chr6:112,114,209, C>G on the plus strand (G>C on the coding strand, the complement: LAMA4 is on the minus strand). VCF-style: chr6-112114209-C-G. GRCh37 (hg19) VCF-style: chr6-112435412-C-G.
Other names: c.5186-14G>C (NM_002290.5, NM_001105207.3).
Identifiers: ClinVar variation 213577 (VCV000213577.16), dbSNP rs112265545, ClinGen allele CA323870.